The following is an entry in ClinVar:

NM_005802.5(TOPORS):c.2824C>T (p.Pro942Ser)

Gene: TOPORS (TOP1 binding arginine/serine rich protein, E3 ubiquitin ligase; minus strand). Cytogenetic location: 9p21.1.
Variant type: single nucleotide variant.
Coding change: c.2824C>T on transcript NM_005802.5 (MANE Select); coding-DNA position 2824, C replaced by T.
Protein change: p.Pro942Ser; replaces proline 942 with serine.
Molecular consequence: missense variant.
Genome position (GRCh38, 1-based): chr9:32,541,701, G>A on the plus strand (C>T on the coding strand, the complement: TOPORS is on the minus strand). VCF-style: chr9-32541701-G-A. GRCh37 (hg19) VCF-style: chr9-32541699-G-A.
Other names: c.2629C>T, p.Pro877Ser (NM_001195622.2); short protein forms P877S, P942S.
Identifiers: ClinVar variation 1960431 (VCV001960431.5), dbSNP rs1821061900, ClinGen allele CA373160606.

ClinVar aggregate classification (germline): Uncertain significance (1 of 4 stars; one submission).

Allele frequency attached by ClinVar (database versions not stated): TOPMed below 0.00001; gnomAD exomes 0.00001.
gnomAD v4.1: 3 of 1,614,150 alleles (0.00019%); highest among the groups gnomAD compares: Admixed American, 0.005%; no homozygotes.

Submission:

Labcorp Genetics (formerly Invitae), Labcorp
Classification: Uncertain significance. Last evaluated: 2022-06-19. Review status: criteria provided, single submitter. Criteria: Invitae Variant Classification Sherloc (09022015). Collection method: clinical testing. Allele origin: germline.
Comment: In summary, the available evidence is currently insufficient to determine the role of this variant in disease. Therefore, it has been classified as a Variant of Uncertain Significance. Algorithms developed to predict the effect of missense changes on protein structure and function output the following: SIFT: "Deleterious"; PolyPhen-2: "Not Available"; Align-GVGD: "Class C0". The serine amino acid residue is found in multiple mammalian species, which suggests that this missense change does not adversely affect protein function. This variant has not been reported in the literature in individuals affected with TOPORS-related conditions. This variant is not present in population databases (gnomAD no frequency). This sequence change replaces proline, which is neutral and non-polar, with serine, which is neutral and polar, at codon 942 of the TOPORS protein (p.Pro942Ser).